The following is an entry in ClinVar:

ClinVar aggregate classification (germline): Uncertain significance (1 of 4 stars; one submission).

Conditions:
Hereditary spastic paraplegia 28. Also called: Spastic paraplegia 28, autosomal recessive. Identifiers: Orphanet 101008, MedGen C1836295, MONDO:0012256, OMIM 609340.

gnomAD v4.1: 1 of 1,545,288 alleles (0.000065%); highest among the groups gnomAD compares: Non-Finnish European, 0.000087%; no homozygotes.

Submission:

Labcorp Genetics (formerly Invitae), Labcorp
Classification: Uncertain significance for Hereditary spastic paraplegia 28. Last evaluated: 2020-12-29. Review status: criteria provided, single submitter. Criteria: Invitae Variant Classification Sherloc (09022015). Collection method: clinical testing. Allele origin: germline.
Comment: In summary, the available evidence is currently insufficient to determine the role of this variant in disease. Therefore, it has been classified as a Variant of Uncertain Significance. Algorithms developed to predict the effect of missense changes on protein structure and function (SIFT, PolyPhen-2, Align-GVGD) all suggest that this variant is likely to be tolerated, but these predictions have not been confirmed by published functional studies and their clinical significance is uncertain. This variant has not been reported in the literature in individuals with DDHD1-related conditions. This variant is not present in population databases (ExAC no frequency). This sequence change replaces leucine with phenylalanine at codon 115 of the DDHD1 protein (p.Leu115Phe). The leucine residue is weakly conserved and there is a small physicochemical difference between leucine and phenylalanine.

NM_001160148.2(DDHD1):c.345G>T (p.Leu115Phe)

Gene: DDHD1 (DDHD domain containing 1; minus strand). Cytogenetic location: 14q22.1.
Variant type: single nucleotide variant.
Coding change: c.345G>T on transcript NM_001160148.2 (MANE Select); coding-DNA position 345, G replaced by T.
Protein change: p.Leu115Phe; replaces leucine 115 with phenylalanine.
Molecular consequence: missense variant.
Genome position (GRCh38, 1-based): chr14:53,152,754, C>A on the plus strand (G>T on the coding strand, the complement: DDHD1 is on the minus strand). VCF-style: chr14-53152754-C-A. GRCh37 (hg19) VCF-style: chr14-53619472-C-A.
Other names: c.345G>T, p.Leu115Phe (NM_001160147.2, NM_030637.3); short protein forms L115F.
Identifiers: ClinVar variation 1498058 (VCV001498058.8), dbSNP rs2139937244, ClinGen allele CA389781058.